The following is an entry in ClinVar:

NM_001127178.3(PIGG):c.1521_1544del (p.Ala508_Ala515del)

Gene: PIGG (phosphatidylinositol glycan anchor biosynthesis class G (EMM blood group); plus strand). Cytogenetic location: 4p16.3.
Variant type: Deletion.
Coding change: c.1521_1544del on transcript NM_001127178.3 (MANE Select); coding-DNA positions 1521 to 1544, 24 bases deleted (GGCAGGTGGGGTGATGGTGCTGGC).
Protein change: p.Ala508_Ala515del.
Molecular consequence: inframe deletion. On other transcripts: initiator codon variant (2), non-coding transcript variant (10), 3 prime UTR variant (2).
Genome position (GRCh38, 1-based): chr4:521,848-521,871, GGCAGGTGGGGTGATGGTGCTGGC deleted; deleting any 24 consecutive bases within chr4:521,842-521,871 gives the same sequence; the c. name uses the placement nearest the transcript's 3' end. VCF-style (leftmost placement, unchanged base first): chr4-521841-GGCTGGCGGCAGGTGGGGTGATGGT-G. GRCh37 (hg19) VCF-style: chr4-515630-GGCTGGCGGCAGGTGGGGTGATGGT-G.
Other names: c.492_515del, p.Ala165_Ala172del (NM_001345988.2); c.1521_1544del, p.Ala508_Ala515del (NM_001345989.2); c.-13_11del, p.Met1_Ala4del (NM_001345990.2, NM_001345991.2); c.423_446del, p.Ala142_Ala149del (NM_001345994.2); c.1497_1520del, p.Ala500_Ala507del (NM_017733.5); c.1254_1277del, p.Ala419_Ala426del (NM_001289051.2, NM_001289053.2, NM_001345986.2); c.1122_1145del, p.Ala375_Ala382del (NM_001289052.2); c.*83_*106del (NM_001289055.2); and 2 more.
Identifiers: ClinVar variation 1314813 (VCV001314813.3), dbSNP rs777013373, ClinGen allele CA2793331.

ClinVar aggregate classification (germline): Uncertain significance (1 of 4 stars; one submission).

Submission:

GeneDx
Classification: Uncertain significance. Last evaluated: 2021-04-26. Review status: criteria provided, single submitter. Criteria: GeneDx Variant Classification Process June 2021. Collection method: clinical testing. Allele origin: germline. Affected: yes.
Comment: Not observed at a significant frequency in large population cohorts (Lek et al., 2016); In-frame deletion of 8 amino acids in a non-repeat region; In silico analysis supports a deleterious effect on protein structure/function; Has not been previously published as pathogenic or benign to our knowledge